The following is an entry in ClinVar:

ClinVar aggregate classification (germline): Uncertain significance. Review status: criteria provided, multiple submitters, no conflicts (2 of 4 stars). 2 submissions from 2 submitters: Uncertain significance (2). Last evaluated 2025-02-26.

Conditions:
Inborn genetic diseases. Identifiers: MedGen C0950123, MeSH D030342.
Cryopyrin associated periodic syndrome (CAPS). Identifiers: Orphanet 208650, MedGen C2316212, MONDO:0016168.

Allele frequency attached by ClinVar (database versions not stated): gnomAD exomes below 0.00001; gnomAD 0.00001; TOPMed 0.00002.
gnomAD v4.1: 3 of 1,614,142 alleles (0.00019%); highest among the groups gnomAD compares: Non-Finnish European, 0.00017%; no homozygotes.

Submissions (2):

Ambry Genetics
Classification: Uncertain significance for Inborn genetic diseases. Last evaluated: 2025-02-26. Review status: criteria provided, single submitter. Criteria: Ambry Variant Classification Scheme 2023. Collection method: clinical testing. Allele origin: germline.

Labcorp Genetics (formerly Invitae), Labcorp
Classification: Uncertain significance for Cryopyrin associated periodic syndrome. Last evaluated: 2020-03-31. Review status: criteria provided, single submitter. Criteria: Invitae Variant Classification Sherloc (09022015). Collection method: clinical testing. Allele origin: germline.
Comment: In summary, the available evidence is currently insufficient to determine the role of this variant in disease. Therefore, it has been classified as a Variant of Uncertain Significance. Algorithms developed to predict the effect of missense changes on protein structure and function do not agree on the potential impact of this missense change (SIFT: "Tolerated"; PolyPhen-2: "Possibly Damaging"; Align-GVGD: "Class C0"). This variant has not been reported in the literature in individuals with NLRP3-related disease. This variant is not present in population databases (ExAC no frequency). This sequence change replaces leucine with valine at codon 398 of the NLRP3 protein (p.Leu398Val). The leucine residue is moderately conserved and there is a small physicochemical difference between leucine and valine.

NM_001243133.2(NLRP3):c.1186C>G (p.Leu396Val)

Gene: NLRP3 (NLR family pyrin domain containing 3; plus strand). Cytogenetic location: 1q44.
Variant type: single nucleotide variant.
Coding change: c.1186C>G on transcript NM_001243133.2 (MANE Select); coding-DNA position 1186, C replaced by G.
Protein change: p.Leu396Val; replaces leucine 396 with valine.
Molecular consequence: missense variant.
Genome position (GRCh38, 1-based): chr1:247,424,635, C>G. VCF-style: chr1-247424635-C-G. GRCh37 (hg19) VCF-style: chr1-247587937-C-G.
Other names: c.1186C>G, p.Leu396Val (NM_001079821.3, NM_001127461.3, NM_001127462.3 and 1 more transcripts); c.1192C>G, p.Leu398Val (NM_004895.5); short protein forms L398V, L396V.
Identifiers: ClinVar variation 536884 (VCV000536884.9), dbSNP rs906785956, ClinGen allele CA345556286.